The following is an entry in ClinVar:

NM_000301.5(PLG):c.740C>G (p.Thr247Ser)

Gene: PLG (plasminogen; plus strand). Cytogenetic location: 6q26.
Variant type: single nucleotide variant.
Coding change: c.740C>G on transcript NM_000301.5 (MANE Select); coding-DNA position 740, C replaced by G.
Protein change: p.Thr247Ser; replaces threonine 247 with serine.
Molecular consequence: missense variant.
Genome position (GRCh38, 1-based): chr6:160,716,716, C>G. VCF-style: chr6-160716716-C-G. GRCh37 (hg19) VCF-style: chr6-161137748-C-G.
Other names: short protein forms T247S.
Identifiers: ClinVar variation 2852132 (VCV002852132.3), dbSNP rs2484342306, ClinGen allele CA366362363.

ClinVar aggregate classification (germline): Uncertain significance (1 of 4 stars; one submission).

Submission:

Labcorp Genetics (formerly Invitae), Labcorp
Classification: Uncertain significance. Last evaluated: 2023-11-16. Review status: criteria provided, single submitter. Criteria: Invitae Variant Classification Sherloc (09022015). Collection method: clinical testing. Allele origin: germline.
Comment: This sequence change replaces threonine, which is neutral and polar, with serine, which is neutral and polar, at codon 247 of the PLG protein (p.Thr247Ser). This variant is not present in population databases (gnomAD no frequency). This variant has not been reported in the literature in individuals affected with PLG-related conditions. Advanced modeling of protein sequence and biophysical properties (such as structural, functional, and spatial information, amino acid conservation, physicochemical variation, residue mobility, and thermodynamic stability) performed at Invitae indicates that this missense variant is not expected to disrupt PLG protein function with a negative predictive value of 80%. In summary, the available evidence is currently insufficient to determine the role of this variant in disease. Therefore, it has been classified as a Variant of Uncertain Significance.